The following is an entry in ClinVar:

NM_174936.4(PCSK9):c.751C>A (p.Arg251Ser)

Gene: PCSK9 (proprotein convertase subtilisin/kexin type 9; plus strand). Cytogenetic location: 1p32.3.
Variant type: single nucleotide variant.
Coding change: c.751C>A on transcript NM_174936.4 (MANE Select); coding-DNA position 751, C replaced by A.
Protein change: p.Arg251Ser; replaces arginine 251 with serine.
Molecular consequence: missense variant. On other transcripts: non-coding transcript variant (8).
Genome position (GRCh38, 1-based): chr1:55,052,743, C>A. VCF-style: chr1-55052743-C-A. GRCh37 (hg19) VCF-style: chr1-55518416-C-A.
Other names: c.874C>A, p.Arg292Ser (NM_001407240.1); c.751C>A, p.Arg251Ser (NM_001407241.1, NM_001407244.1, NM_001407247.1); c.754C>A, p.Arg252Ser (NM_001407242.1); c.694C>A, p.Arg232Ser (NM_001407243.1); c.559C>A, p.Arg187Ser (NM_001407245.1); c.376C>A, p.Arg126Ser (NM_001407246.1); short protein forms R232S, R252S, R292S, R187S, R251S, R126S.
Identifiers: ClinVar variation 4844029 (VCV004844029.1).

ClinVar aggregate classification (germline): Uncertain significance (1 of 4 stars; one submission).

Conditions:
Cardiovascular phenotype. Identifiers: MedGen CN230736.

Submission:

Ambry Genetics
Classification: Uncertain significance for Cardiovascular phenotype. Last evaluated: 2025-12-24. Review status: criteria provided, single submitter. Criteria: Ambry Variant Classification Scheme 2023. Collection method: clinical testing. Allele origin: germline.
Comment: The p.R251S variant (also known as c.751C>A), located in coding exon 5 of the PCSK9 gene, results from a C to A substitution at nucleotide position 751. The arginine at codon 251 is replaced by serine, an amino acid with dissimilar properties. This amino acid position is conserved. In addition, this alteration is predicted to be deleterious by in silico analysis. Based on the available evidence, the clinical significance of this variant remains unclear.